The following is an entry in ClinVar:

NM_206933.4(USH2A):c.7452-3C>G

Gene: USH2A (usherin; minus strand). Cytogenetic location: 1q41.
Variant type: single nucleotide variant.
Coding change: c.7452-3C>G on transcript NM_206933.4 (MANE Select); 3 bases into the intron before coding-DNA position 7452, C replaced by G.
Molecular consequence: intron variant.
Genome position (GRCh38, 1-based): chr1:215,900,220, G>C on the plus strand (C>G on the coding strand, the complement: USH2A is on the minus strand). VCF-style: chr1-215900220-G-C. GRCh37 (hg19) VCF-style: chr1-216073562-G-C.
Identifiers: ClinVar variation 4736991 (VCV004736991.1).
Genomic context (GRCh38, chr1:215,900,220, plus strand): 5'-GTACGGTTGGAGATCACTCACTTCATAGCTTAACGATGCAGAAGGATTGGAAAATAACCT[G>C]TATGGGAAATAAATGTCAATTAGGAAGTTTTCGACATTCAAAGAAATAAAAGCAAGTAAA-3'

ClinVar aggregate classification (germline): Uncertain significance (1 of 4 stars; one submission).

gnomAD v4.1: 1 of 1,613,172 alleles (0.000062%); highest among the groups gnomAD compares: African/African-American, 0.0013%; no homozygotes.

Submission:

Labcorp Genetics (formerly Invitae), Labcorp
Classification: Uncertain significance. Last evaluated: 2025-04-10. Review status: criteria provided, single submitter. Criteria: Invitae Variant Classification Sherloc (09022015). Collection method: clinical testing. Allele origin: germline.
Comment: This sequence change falls in intron 39 of the USH2A gene. It does not directly change the encoded amino acid sequence of the USH2A protein. It affects a nucleotide within the consensus splice site. This variant is not present in population databases (gnomAD no frequency). This variant has not been reported in the literature in individuals affected with USH2A-related conditions. Variants that disrupt the consensus splice site are a relatively common cause of aberrant splicing (PMID: 17576681, 9536098). Algorithms developed to predict the effect of sequence changes on RNA splicing suggest that this variant may disrupt the consensus splice site. In summary, the available evidence is currently insufficient to determine the role of this variant in disease. Therefore, it has been classified as a Variant of Uncertain Significance.

Literature cited by the submitters: PubMed 17576681; PubMed 9536098.